The following is an entry in ClinVar:

NM_024529.5(CDC73):c.355C>T (p.Gln119Ter)

Gene: CDC73 (cell division cycle 73; plus strand). Cytogenetic location: 1q31.2.
Variant type: single nucleotide variant.
Coding change: c.355C>T on transcript NM_024529.5 (MANE Select); coding-DNA position 355, C replaced by T.
Protein change: p.Gln119Ter; replaces glutamine 119 with a stop codon.
Molecular consequence: nonsense.
Genome position (GRCh38, 1-based): chr1:193,135,438, C>T. VCF-style: chr1-193135438-C-T. GRCh37 (hg19) VCF-style: chr1-193104568-C-T.
Other names: short protein forms Q119*.
Identifiers: ClinVar variation 279950 (VCV000279950.12), dbSNP rs886041278, ClinGen allele CA10602772.

ClinVar aggregate classification (germline): Pathogenic. Review status: criteria provided, multiple submitters, no conflicts (2 of 4 stars). 2 submissions from 2 submitters: Pathogenic (2). Last evaluated 2025-04-13.

Conditions:
Parathyroid carcinoma (PRTC). Also called: CDC73-Related Parathyroid Carcinoma; Parathyroid gland carcinoma. Identifiers: Orphanet 143, MedGen C0687150, MONDO:0012004, OMIM 608266, HP:0006780.

Submissions (2):

Labcorp Genetics (formerly Invitae), Labcorp
Classification: Pathogenic for Parathyroid carcinoma. Last evaluated: 2025-04-13. Review status: criteria provided, single submitter. Criteria: Invitae Variant Classification Sherloc (09022015). Collection method: clinical testing. Allele origin: germline.
Comment: This sequence change creates a premature translational stop signal (p.Gln119*) in the CDC73 gene. It is expected to result in an absent or disrupted protein product. Loss-of-function variants in CDC73 are known to be pathogenic (PMID: 12434154). This variant is not present in population databases (gnomAD no frequency). This variant has not been reported in the literature in individuals affected with CDC73-related conditions. ClinVar contains an entry for this variant (Variation ID: 279950). Algorithms developed to predict the effect of sequence changes on RNA splicing suggest that this variant may disrupt the consensus splice site. For these reasons, this variant has been classified as Pathogenic.

GeneDx
Classification: Pathogenic. Last evaluated: 2019-09-17. Review status: criteria provided, single submitter. Criteria: GeneDx Variant Classification Process June 2021. Collection method: clinical testing. Allele origin: germline. Affected: yes.
Comment: Nonsense variant predicted to result in protein truncation or nonsense mediated decay in a gene for which loss-of-function is a known mechanism of disease; Not observed in large population cohorts (Lek 2016)

Literature cited by the submitters: PubMed 12434154 (cited by Labcorp Genetics (formerly Invitae), Labcorp).